The following is an entry in ClinVar:

NM_182914.3(SYNE2):c.16640A>G (p.Asp5547Gly)

Gene: SYNE2 (spectrin repeat containing nuclear envelope protein 2; plus strand). Cytogenetic location: 14q23.2.
Variant type: single nucleotide variant.
Coding change: c.16640A>G on transcript NM_182914.3 (MANE Select); coding-DNA position 16640, A replaced by G.
Protein change: p.Asp5547Gly; replaces aspartic acid 5547 with glycine.
Molecular consequence: missense variant.
Genome position (GRCh38, 1-based): chr14:64,167,267, A>G. VCF-style: chr14-64167267-A-G. GRCh37 (hg19) VCF-style: chr14-64633985-A-G.
Other names: c.16640A>G, p.Asp5547Gly (NM_015180.6); short protein forms D5547G.
Identifiers: ClinVar variation 282458 (VCV000282458.15), dbSNP rs150415189, ClinGen allele CA7223449.
Genomic context (GRCh38, chr14:64,167,267, plus strand): 5'-CCTGTACTTCAATTTTTTAAAAATAGAATCATGTGCTGGCACTGACAGCCCAATCACCTG[A>G]TATTGAACATTTGAATGAAGTGAGCCTCAAGCTCCCACTTAGTGACGTAGCTGTGAAGAC-3'
Protein context (NP_878918.2, residues 5537-5557): HVLALTAQSP[Asp5547Gly]IEHLNEVSLK

ClinVar aggregate classification (germline): Uncertain significance. Review status: criteria provided, multiple submitters, no conflicts (2 of 4 stars). 3 submissions from 3 submitters: Uncertain significance (3). Last evaluated 2024-09-05.

Conditions:
Emery-Dreifuss muscular dystrophy 5, autosomal dominant (EDMD5). Also called: EMERY-DREIFUSS MUSCULAR DYSTROPHY 5. Identifiers: Orphanet 261, MedGen C2751805, MONDO:0013072, OMIM 612999.

Allele frequency attached by ClinVar (database versions not stated): gnomAD exomes 0.00001 and 0.00004; ExAC 0.00004; gnomAD 0.00015; TOPMed 0.00017; ESP Exome Variant Server 0.00031.
gnomAD v4.1: 40 of 1,614,212 alleles (0.0025%); highest among the groups gnomAD compares: African/African-American, 0.051%; no homozygotes.

Submissions (3):

Labcorp Genetics (formerly Invitae), Labcorp
Classification: Uncertain significance for Emery-Dreifuss muscular dystrophy 5, autosomal dominant. Last evaluated: 2024-09-05. Review status: criteria provided, single submitter. Criteria: Invitae Variant Classification Sherloc (09022015). Collection method: clinical testing. Allele origin: germline.
Comment: This sequence change replaces aspartic acid, which is acidic and polar, with glycine, which is neutral and non-polar, at codon 5547 of the SYNE2 protein (p.Asp5547Gly). This variant is present in population databases (rs150415189, gnomAD 0.05%), and has an allele count higher than expected for a pathogenic variant. This variant has not been reported in the literature in individuals affected with SYNE2-related conditions. ClinVar contains an entry for this variant (Variation ID: 282458). An algorithm developed to predict the effect of missense changes on protein structure and function outputs the following: PolyPhen-2: "Benign". The glycine amino acid residue is found in multiple mammalian species, which suggests that this missense change does not adversely affect protein function. In summary, the available evidence is currently insufficient to determine the role of this variant in disease. Therefore, it has been classified as a Variant of Uncertain Significance.

Ambry Genetics
Classification: Uncertain significance. Last evaluated: 2021-07-06. Review status: criteria provided, single submitter. Criteria: Ambry Variant Classification Scheme 2023. Collection method: clinical testing. Allele origin: germline.

Eurofins Ntd Llc (ga)
Classification: Uncertain significance. Last evaluated: 2015-10-13. Review status: criteria provided, single submitter. Criteria: EGL Classification Definitions 2015. Collection method: clinical testing. Allele origin: germline. Observed: 1 variant allele, 1 heterozygote.